The following is an entry in ClinVar:

NM_001142800.2(EYS):c.8071+5G>A

Gene: EYS (eyes shut homolog; minus strand). Cytogenetic location: 6q12.
Variant type: single nucleotide variant.
Coding change: c.8071+5G>A on transcript NM_001142800.2 (MANE Select); 5 bases into the intron after coding-DNA position 8071, G replaced by A.
Molecular consequence: intron variant.
Genome position (GRCh38, 1-based): chr6:63,762,456, C>T on the plus strand (G>A on the coding strand, the complement: EYS is on the minus strand). VCF-style: chr6-63762456-C-T. GRCh37 (hg19) VCF-style: chr6-64472349-C-T.
Other names: c.8071+5G>A (NM_001292009.2).
Identifiers: ClinVar variation 2167722 (VCV002167722.1), dbSNP rs1181124842, ClinGen allele CA568118990.

ClinVar aggregate classification (germline): Uncertain significance (1 of 4 stars; one submission).

gnomAD v4.1: 1 of 1,548,542 alleles (0.000065%); highest among the groups gnomAD compares: Non-Finnish European, 0.000087%; no homozygotes.

Submission:

Labcorp Genetics (formerly Invitae), Labcorp
Classification: Uncertain significance. Last evaluated: 2022-07-14. Review status: criteria provided, single submitter. Criteria: Invitae Variant Classification Sherloc (09022015). Collection method: clinical testing. Allele origin: germline.
Comment: This sequence change falls in intron 41 of the EYS gene. It does not directly change the encoded amino acid sequence of the EYS protein. It affects a nucleotide within the consensus splice site. This variant is present in population databases (no rsID available, gnomAD 0.006%). This variant has not been reported in the literature in individuals affected with EYS-related conditions. Variants that disrupt the consensus splice site are a relatively common cause of aberrant splicing (PMID: 17576681, 9536098). Algorithms developed to predict the effect of sequence changes on RNA splicing suggest that this variant is not likely to affect RNA splicing. In summary, the available evidence is currently insufficient to determine the role of this variant in disease. Therefore, it has been classified as a Variant of Uncertain Significance.

Literature cited by the submitters: PubMed 17576681; PubMed 9536098.